The following is an entry in ClinVar:

NM_001365308.1(BMPER):c.18C>A (p.Gly6=)

Gene: BMPER (BMP binding endothelial regulator; plus strand). Cytogenetic location: 7p14.3.
Variant type: single nucleotide variant.
Coding change: c.18C>A on transcript NM_001365308.1 (MANE Select); coding-DNA position 18, C replaced by A.
Protein change: p.Gly6=; no amino-acid change (glycine 6 retained).
Molecular consequence: synonymous variant.
Genome position (GRCh38, 1-based): chr7:33,905,631, C>A. VCF-style: chr7-33905631-C-A. GRCh37 (hg19) VCF-style: chr7-33945243-C-A.
Other names: c.18C>A (NM_133468.4); c.18C>A, p.Gly6= (NM_001410872.1, NM_133468.5).
Identifiers: ClinVar variation 2889457 (VCV002889457.5), dbSNP rs371032533, ClinGen allele CA156790214.

ClinVar aggregate classification (germline): Likely benign. Review status: criteria provided, single submitter (1 of 4 stars). 2 submissions from 2 submitters: Likely benign (1). 1 of the submissions does not count toward it. Last evaluated 2024-11-14.

Conditions:
BMPER-related disorder. Also called: BMPER-related condition.

Allele frequency attached by ClinVar (database versions not stated): gnomAD 0.00001; TOPMed 0.00002; ESP Exome Variant Server 0.00008.
gnomAD v4.1: 35 of 1,612,832 alleles (0.0022%); highest among the groups gnomAD compares: Non-Finnish European, 0.0029%; no homozygotes.

Submissions (2):

Labcorp Genetics (formerly Invitae), Labcorp
Classification: Likely benign. Last evaluated: 2024-11-14. Review status: criteria provided, single submitter. Criteria: Invitae Variant Classification Sherloc (09022015). Collection method: clinical testing. Allele origin: germline.

PreventionGenetics, part of Exact Sciences
Classification: Likely benign for BMPER-related condition. Last evaluated: 2019-09-25. Review status: no assertion criteria provided. Collection method: clinical testing. Allele origin: germline. Not counted in ClinVar's aggregate classification.
Comment: This variant is classified as likely benign based on ACMG/AMP sequence variant interpretation guidelines (Richards et al. 2015 PMID: 25741868, with internal and published modifications).